The following is an entry in ClinVar:

NM_024675.4(PALB2):c.2730T>C (p.Tyr910=)

Gene: PALB2 (partner and localizer of BRCA2; minus strand). Cytogenetic location: 16p12.2.
Variant type: single nucleotide variant.
Coding change: c.2730T>C on transcript NM_024675.4 (MANE Select); coding-DNA position 2730, T replaced by C.
Protein change: p.Tyr910=; no amino-acid change (tyrosine 910 retained).
Molecular consequence: synonymous variant.
Genome position (GRCh38, 1-based): chr16:23,626,254, A>G on the plus strand (T>C on the coding strand, the complement: PALB2 is on the minus strand). VCF-style: chr16-23626254-A-G. GRCh37 (hg19) VCF-style: chr16-23637575-A-G.
Other names: c.2730T>C (NM_024675.3).
Identifiers: ClinVar variation 1136238 (VCV001136238.13), dbSNP rs995629797, ClinGen allele CA494161176.

ClinVar aggregate classification (germline): Benign/Likely benign. Review status: criteria provided, multiple submitters, no conflicts (2 of 4 stars). 4 submissions from 4 submitters: Benign (1); Likely benign (3). Last evaluated 2025-10-01.

Conditions:
Hereditary cancer-predisposing syndrome. Also called: Hereditary neoplastic syndrome; Hereditary Cancer Syndrome; Tumor predisposition; Neoplastic Syndromes, Hereditary. Identifiers: Orphanet 140162, MedGen C0027672, MeSH D009386, MONDO:0015356.
Familial cancer of breast. Also called: hereditary breast carcinoma; Hereditary breast cancer; BREAST CANCER, FAMILIAL. Identifiers: Orphanet 227535, MedGen C0346153, MONDO:0016419, OMIM 114480. Disease mechanism: loss of function.

Submissions (4):

Labcorp Genetics (formerly Invitae), Labcorp
Classification: Likely benign for Familial cancer of breast. Last evaluated: 2025-10-01. Review status: criteria provided, single submitter. Criteria: Invitae Variant Classification Sherloc (09022015). Collection method: clinical testing. Allele origin: germline.

Myriad Genetics, Inc.
Classification: Benign for Familial cancer of breast. Last evaluated: 2025-01-17. Review status: criteria provided, single submitter. Criteria: Myriad Autosomal Dominant, Autosomal Recessive and X-Linked Classification Criteria (2023). Collection method: clinical testing. Allele origin: unknown.
Comment: This variant is considered benign. This variant is a silent/synonymous amino acid change and it is not expected to impact splicing.

Women's Health and Genetics/Laboratory Corporation of America, LabCorp
Classification: Likely benign. Last evaluated: 2024-10-03. Review status: criteria provided, single submitter. Criteria: LabCorp Variant Classification Summary - May 2015. Collection method: clinical testing. Allele origin: germline.

Ambry Genetics
Classification: Likely benign for Hereditary cancer-predisposing syndrome. Last evaluated: 2023-06-17. Review status: criteria provided, single submitter. Criteria: Ambry Variant Classification Scheme 2023. Collection method: clinical testing. Allele origin: germline.